The following is an entry in ClinVar:

ClinVar aggregate classification (germline): Likely benign (1 of 4 stars; one submission).

Allele frequency attached by ClinVar (database versions not stated): gnomAD 0.00001; gnomAD exomes 0.00001; TOPMed 0.00003; ExAC 0.00004; ESP Exome Variant Server 0.00008.
gnomAD v4.1: 15 of 1,614,124 alleles (0.00093%); highest among the groups gnomAD compares: East Asian, 0.0045%; no homozygotes.

Submission:

CeGaT Center for Human Genetics Tuebingen
Classification: Likely benign. Last evaluated: 2023-01-01. Review status: criteria provided, single submitter. Criteria: CeGaT Center For Human Genetics Tuebingen Variant Classification Criteria Version 2. Collection method: clinical testing. Allele origin: germline. Affected: yes. Observed: 1 variant allele.
Comment: CASZ1: BP4, BP7

NM_001079843.3(CASZ1):c.1752C>T (p.Asp584=)

Gene: CASZ1 (castor zinc finger 1; minus strand). Cytogenetic location: 1p36.22.
Variant type: single nucleotide variant.
Coding change: c.1752C>T on transcript NM_001079843.3 (MANE Select); coding-DNA position 1752, C replaced by T.
Protein change: p.Asp584=; no amino-acid change (aspartic acid 584 retained).
Molecular consequence: synonymous variant.
Genome position (GRCh38, 1-based): chr1:10,654,505, G>A on the plus strand (C>T on the coding strand, the complement: CASZ1 is on the minus strand). VCF-style: chr1-10654505-G-A. GRCh37 (hg19) VCF-style: chr1-10714562-G-A.
Other names: c.1752C>T, p.Asp584= (NM_017766.5).
Identifiers: ClinVar variation 2638211 (VCV002638211.24), dbSNP rs370387026, ClinGen allele CA585029.